The following is an entry in ClinVar:

ClinVar aggregate classification (germline): Pathogenic (1 of 4 stars; one submission).

Conditions:
Neurofibromatosis, type 1 (NF1). Also called: Peripheral type neurofibromatosis; Neurofibromatosis, type I; VON RECKLINGHAUSEN DISEASE; NEUROFIBROMATOSIS, TYPE I, SOMATIC. Identifiers: Orphanet 636, MedGen C0027831, MONDO:0018975, OMIM 162200. Disease mechanism: loss of function.

Submission:

Labcorp Genetics (formerly Invitae), Labcorp
Classification: Pathogenic for Neurofibromatosis, type 1. Last evaluated: 2022-02-01. Review status: criteria provided, single submitter. Criteria: Invitae Variant Classification Sherloc (09022015). Collection method: clinical testing. Allele origin: germline.
Comment: For these reasons, this variant has been classified as Pathogenic. ClinVar contains an entry for this variant (Variation ID: 948094). This variant has not been reported in the literature in individuals affected with NF1-related conditions. This variant is not present in population databases (gnomAD no frequency). This sequence change creates a premature translational stop signal (p.Asn1882Lysfs*22) in the NF1 gene. It is expected to result in an absent or disrupted protein product. Loss-of-function variants in NF1 are known to be pathogenic (PMID: 10712197, 23913538).

Literature cited by the submitters: PubMed 10712197; PubMed 23913538.

NM_001042492.3(NF1):c.5709del (p.Asn1903fs)

Gene: NF1 (neurofibromin 1; plus strand). Cytogenetic location: 17q11.2.
Variant type: Deletion.
Coding change: c.5709del on transcript NM_001042492.3 (MANE Select); coding-DNA position 5709, one base deleted (C; older notation c.5709delC).
Protein change: p.Asn1903fs; shifts the reading frame from asparagine 1903.
Molecular consequence: frameshift variant.
Genome position (GRCh38, 1-based): chr17:31,330,395, C deleted. VCF-style (leftmost placement, unchanged base first): chr17-31330394-AC-A. GRCh37 (hg19) VCF-style: chr17-29657412-AC-A.
Other names: c.5646delC, p.Asn1882Lysfs (NM_000267.4); short protein forms N1903fs, N1882fs.
Identifiers: ClinVar variation 948094 (VCV000948094.6), dbSNP rs2069451431, ClinGen allele CA1139665391.